The following is an entry in ClinVar:

ClinVar aggregate classification (germline): Uncertain significance. Review status: criteria provided, multiple submitters, no conflicts (2 of 4 stars). 4 submissions from 4 submitters: Uncertain significance (4). Last evaluated 2024-11-15.

Conditions:
Cardiovascular phenotype. Identifiers: MedGen CN230736.
Familial isolated arrhythmogenic right ventricular dysplasia. Identifiers: Orphanet 217656, MedGen C4274968, MONDO:0016342.
Arrhythmogenic right ventricular dysplasia 11. Also called: Arrhythmogenic Right Ventricular Dysplasia/Cardiomyopathy11; ARRHYTHMOGENIC RIGHT VENTRICULAR DYSPLASIA, FAMILIAL, 11; Arrhythmogenic right ventricular dysplasia 11 with mild palmoplantar keratoderma and woolly hair. Identifiers: MedGen C1864850, MONDO:0012506, OMIM 610476.

Allele frequency attached by ClinVar (database versions not stated): gnomAD exomes below 0.00001.
gnomAD v4.1: 1 of 1,613,948 alleles (0.000062%); highest among the groups gnomAD compares: Non-Finnish European, 0.000085%; no homozygotes.

Submissions (4):

Labcorp Genetics (formerly Invitae), Labcorp
Classification: Uncertain significance for Arrhythmogenic right ventricular dysplasia 11. Last evaluated: 2024-11-15. Review status: criteria provided, single submitter. Criteria: Invitae Variant Classification Sherloc (09022015). Collection method: clinical testing. Allele origin: germline.
Comment: This sequence change replaces alanine, which is neutral and non-polar, with valine, which is neutral and non-polar, at codon 733 of the DSC2 protein (p.Ala733Val). This variant is not present in population databases (gnomAD no frequency). This variant has not been reported in the literature in individuals affected with DSC2-related conditions. ClinVar contains an entry for this variant (Variation ID: 326396). Invitae Evidence Modeling of protein sequence and biophysical properties (such as structural, functional, and spatial information, amino acid conservation, physicochemical variation, residue mobility, and thermodynamic stability) has been performed for this missense variant. However, the output from this modeling did not meet the statistical confidence thresholds required to predict the impact of this variant on DSC2 protein function. In summary, the available evidence is currently insufficient to determine the role of this variant in disease. Therefore, it has been classified as a Variant of Uncertain Significance.

All of Us Research Program, National Institutes of Health
Classification: Uncertain significance for Familial isolated arrhythmogenic right ventricular dysplasia. Last evaluated: 2023-11-20. Review status: criteria provided, single submitter. Criteria: ACMG Guidelines, 2015. Collection method: clinical testing. Allele origin: germline. Inheritance: Autosomal dominant inheritance. Observed: 1 variant allele, 1 heterozygote.
Comment: This missense variant replaces alanine with valine at codon 733 of the DSC2 protein. Computational prediction suggests that this variant may not impact protein structure and function (internally defined REVEL score threshold <= 0.5, PMID: 27666373). To our knowledge, functional studies have not been reported for this variant. This variant has not been reported in individuals affected with cardiovascular disorders in the literature. This variant has not been identified in the general population by the Genome Aggregation Database (gnomAD). The available evidence is insufficient to determine the role of this variant in disease conclusively. Therefore, this variant is classified as a Variant of Uncertain Significance.

This study involves interpretation of variants in research participants for the purpose of population health screening. Participant phenotype was not available at the time of variant classification. Additional details can be found in publication PMID: 35346344, PMCID: PMC8962531

Ambry Genetics
Classification: Uncertain significance for Cardiovascular phenotype. Last evaluated: 2020-10-15. Review status: criteria provided, single submitter. Criteria: Ambry Variant Classification Scheme 2023. Collection method: clinical testing. Allele origin: germline.
Comment: The p.A733V variant (also known as c.2198C>T), located in coding exon 14 of the DSC2 gene, results from a C to T substitution at nucleotide position 2198. The alanine at codon 733 is replaced by valine, an amino acid with similar properties. This amino acid position is not well conserved in available vertebrate species. In addition, this alteration is predicted to be tolerated by in silico analysis. Since supporting evidence is limited at this time, the clinical significance of this alteration remains unclear.

Illumina Laboratory Services, Illumina
Classification: Uncertain significance for Arrhythmogenic right ventricular dysplasia 11. Last evaluated: 2018-01-13. Review status: criteria provided, single submitter. Criteria: ICSL Variant Classification Criteria 13 December 2019. Collection method: clinical testing. Allele origin: germline.

NM_024422.6(DSC2):c.2198C>T (p.Ala733Val)

Gene: DSC2 (desmocollin 2; minus strand). Cytogenetic location: 18q12.1.
Variant type: single nucleotide variant.
Coding change: c.2198C>T on transcript NM_024422.6 (MANE Select); coding-DNA position 2198, C replaced by T.
Protein change: p.Ala733Val; replaces alanine 733 with valine.
Molecular consequence: missense variant.
Genome position (GRCh38, 1-based): chr18:31,070,778, G>A on the plus strand (C>T on the coding strand, the complement: DSC2 is on the minus strand). VCF-style: chr18-31070778-G-A. GRCh37 (hg19) VCF-style: chr18-28650744-G-A.
Other names: c.2198C>T, p.Ala733Val (NM_004949.5); short protein forms A733V.
Identifiers: ClinVar variation 326396 (VCV000326396.12), dbSNP rs886053695, ClinGen allele CA10641324.
Genomic context (GRCh38, chr18:31,070,778, plus strand): 5'-CTACTTACCACTTTGTCATCTCCAGGAGCTTCTGTGTTTGATACAATTAGGTTCTGCTGG[G>A]CTAAATCATCAGGAATTACTTTTGGTTGTTTAGACGTCCCAGAAGCCCCACAGACCAGCG-3'
Protein context (NP_077740.1, residues 723-743): KQPKVIPDDL[Ala733Val]QQNLIVSNTE